The following is an entry in ClinVar:

NM_001036.6(RYR3):c.4017T>G (p.Asp1339Glu)

Gene: RYR3 (ryanodine receptor 3; plus strand). Cytogenetic location: 15q14.
Variant type: single nucleotide variant.
Coding change: c.4017T>G on transcript NM_001036.6 (MANE Select); coding-DNA position 4017, T replaced by G.
Protein change: p.Asp1339Glu; replaces aspartic acid 1339 with glutamic acid.
Molecular consequence: missense variant.
Genome position (GRCh38, 1-based): chr15:33,649,110, T>G. VCF-style: chr15-33649110-T-G. GRCh37 (hg19) VCF-style: chr15-33941311-T-G.
Other names: c.4017T>G, p.Asp1339Glu (NM_001243996.4); short protein forms D1339E.
Identifiers: ClinVar variation 958748 (VCV000958748.9), dbSNP rs781576341, ClinGen allele CA7458876.

ClinVar aggregate classification (germline): Uncertain significance (1 of 4 stars; one submission).

Conditions:
Epileptic encephalopathy. Identifiers: MedGen C0543888, HP:0200134.

Allele frequency attached by ClinVar (database versions not stated): TOPMed below 0.00001; ExAC 0.00001; gnomAD 0.00001; gnomAD exomes 0.00001 and 0.00002.
gnomAD v4.1: 10 of 1,613,636 alleles (0.00062%); highest among the groups gnomAD compares: South Asian, 0.011%; no homozygotes.

Submission:

Labcorp Genetics (formerly Invitae), Labcorp
Classification: Uncertain significance for Epileptic encephalopathy. Last evaluated: 2024-06-24. Review status: criteria provided, single submitter. Criteria: Invitae Variant Classification Sherloc (09022015). Collection method: clinical testing. Allele origin: germline.
Comment: This sequence change replaces aspartic acid, which is acidic and polar, with glutamic acid, which is acidic and polar, at codon 1339 of the RYR3 protein (p.Asp1339Glu). This variant is present in population databases (rs781576341, gnomAD 0.01%). This variant has not been reported in the literature in individuals affected with RYR3-related conditions. ClinVar contains an entry for this variant (Variation ID: 958748). An algorithm developed to predict the effect of missense changes on protein structure and function (PolyPhen-2) suggests that this variant is likely to be tolerated. In summary, the available evidence is currently insufficient to determine the role of this variant in disease. Therefore, it has been classified as a Variant of Uncertain Significance.